The following is an entry in ClinVar:

ClinVar aggregate classification (germline): Conflicting classifications of pathogenicity. Review status: criteria provided, conflicting classifications (1 of 4 stars). 7 submissions from 7 submitters: Pathogenic (3); Likely pathogenic (3); Uncertain significance (1). Last evaluated 2025-09-18.

Conditions:
Fetal akinesia deformation sequence 2. Identifiers: MedGen C4760576, MONDO:0100102, OMIM 618388.
Fetal akinesia deformation sequence 1 (FADS1). Also called: Pena-Shokeir syndrome type I; Fetal akinesia sequence. Identifiers: Orphanet 994, MedGen C1276035, MONDO:0100101, OMIM 208150, HP:0001989.
Congenital myasthenic syndrome 11. Also called: MYASTHENIC SYNDROME, CONGENITAL, Ie; Myasthenic syndrome, congenital, 11, associated with acetylcholine receptor deficiency. Identifiers: Orphanet 590, MedGen C4225367, MONDO:0014588, OMIM 616326.
Congenital myasthenic syndrome (CMS). Also called: Congenital Myasthenic Syndromes. Identifiers: Orphanet 590, MedGen C0751882, MeSH D020294, MONDO:0018940.
Arthrogryposis multiplex congenita (AMC). Also called: Guérin-Stern syndrome; Congenital multiple arthrogryposis; Fibrous ankylosis of multiple joints; Congenital arthromyodysplasia; Myodystrophia fetalis deformans; Otto syndrome. Identifiers: Orphanet 1037, MedGen C5779613, MeSH D001176, MONDO:0015168, HP:0002804.

Submissions (7):

Natera, Inc.
Classification: Likely pathogenic for Congenital myasthenic syndrome. Last evaluated: 2025-09-18. Review status: criteria provided, single submitter. Criteria: Natera Variant Classification Schema (03/2026). Collection method: clinical testing. Allele origin: germline.
Comment: The c.272G>T variant in RAPSN is a missense variant predicted to cause substitution of arginine to leucine at amino acid 91. This variant is rare in the general population with a frequency below the threshold expected for the associated phenotype(s). This variant has been observed in one or more individuals affected with the associated recessive disease, as either homozygous or compound heterozygous with a second variant (PMID: 14504330, 30124556, 31680123). Functional studies show that this variant may disrupt protein function (PMID: 15145336, 16945936). Computational prediction algorithms indicate this variant is likely to affect gene or protein function. Given the available evidence, this variant is classified as Likely Pathogenic.

Baylor Genetics
Classification: Pathogenic for Fetal akinesia deformation sequence 2. Last evaluated: 2024-03-14. Review status: criteria provided, single submitter. Criteria: ACMG Guidelines, 2015. Collection method: clinical testing. Allele origin: unknown.

Labcorp Genetics (formerly Invitae), Labcorp
Classification: Pathogenic for Congenital myasthenic syndrome 11; Fetal akinesia deformation sequence 1. Last evaluated: 2023-12-28. Review status: criteria provided, single submitter. Criteria: Invitae Variant Classification Sherloc (09022015). Collection method: clinical testing. Allele origin: germline.
Comment: This sequence change replaces arginine, which is basic and polar, with leucine, which is neutral and non-polar, at codon 91 of the RAPSN protein (p.Arg91Leu). This variant is present in population databases (rs375218091, gnomAD 0.01%). This missense change has been observed in individuals with RAPSN-related conditions (PMID: 14504330, 30124556, 31680123). ClinVar contains an entry for this variant (Variation ID: 497298). Advanced modeling of protein sequence and biophysical properties (such as structural, functional, and spatial information, amino acid conservation, physicochemical variation, residue mobility, and thermodynamic stability) performed at Invitae indicates that this missense variant is not expected to disrupt RAPSN protein function with a negative predictive value of 80%. Experimental studies have shown that this missense change affects RAPSN function (PMID: 16945936). This variant disrupts the p.Arg91 amino acid residue in RAPSN. Other variant(s) that disrupt this residue have been determined to be pathogenic (PMID: 22678886; Invitae). This suggests that this residue is clinically significant, and that variants that disrupt this residue are likely to be disease-causing. For these reasons, this variant has been classified as Pathogenic.

GeneDx
Classification: Likely pathogenic. Last evaluated: 2023-11-25. Review status: criteria provided, single submitter. Criteria: GeneDx Variant Classification Process June 2021. Collection method: clinical testing. Allele origin: germline. Affected: yes.
Comment: In silico analysis supports that this missense variant has a deleterious effect on protein structure/function; Published functional studies suggest a damaging effect on rapsyn self-association, which is critical for acetylcholine receptor clustering (PMID: 16945936); Not observed at significant frequency in large population cohorts (gnomAD); This variant is associated with the following publications: (PMID: 22678886, 16945936, 14504330, 17686188, 15145336, 31680123, 30124556, 18567858)

Revvity Omics, Revvity
Classification: Likely pathogenic. Last evaluated: 2023-09-05. Review status: criteria provided, single submitter. Criteria: ACMG Guidelines, 2015. Collection method: clinical testing. Allele origin: germline.

Cirak Lab, University Hospital Cologne
Classification: Pathogenic for Arthrogryposis multiplex congenita; Fetal akinesia sequence. Last evaluated: 2019-06-28. Review status: criteria provided, single submitter. Criteria: ACMG Guidelines, 2015. Collection method: research. Allele origin: maternal. Affected: yes. Observed: 1 variant allele.

Eurofins Ntd Llc (ga)
Classification: Uncertain significance. Last evaluated: 2016-10-13. Review status: criteria provided, single submitter. Criteria: EGL Classification Definitions 2015. Collection method: clinical testing. Allele origin: germline. Observed: 1 variant allele, 1 heterozygote.

Literature cited by the submitters: PubMed 14504330 (cited by Natera, Inc. and Labcorp Genetics (formerly Invitae), Labcorp); PubMed 30124556 (cited by Natera, Inc. and Labcorp Genetics (formerly Invitae), Labcorp); PubMed 31680123 (cited by 3 submitters); PubMed 15145336 (cited by Natera, Inc.); PubMed 16945936 (cited by Natera, Inc. and Labcorp Genetics (formerly Invitae), Labcorp); PubMed 22678886 (cited by Labcorp Genetics (formerly Invitae), Labcorp).

NM_005055.5(RAPSN):c.272G>T (p.Arg91Leu)

Gene: RAPSN (receptor associated protein of the synapse; minus strand). Cytogenetic location: 11p11.2.
Variant type: single nucleotide variant.
Coding change: c.272G>T on transcript NM_005055.5 (MANE Select); coding-DNA position 272, G replaced by T.
Protein change: p.Arg91Leu; replaces arginine 91 with leucine.
Molecular consequence: missense variant.
Genome position (GRCh38, 1-based): chr11:47,448,071, C>A on the plus strand (G>T on the coding strand, the complement: RAPSN is on the minus strand). VCF-style: chr11-47448071-C-A. GRCh37 (hg19) VCF-style: chr11-47469623-C-A.
Other names: c.272G>T, p.Arg91Leu (NM_032645.5); short protein forms R91L.
Identifiers: ClinVar variation 497298 (VCV000497298.16), dbSNP rs375218091, ClinGen allele CA5976768.